The following is an entry in ClinVar:

NM_001267550.2(TTN):c.43079C>A (p.Ala14360Asp)

Gene: TTN (titin; minus strand). Cytogenetic location: 2q31.2.
Variant type: single nucleotide variant.
Coding change: c.43079C>A on transcript NM_001267550.2 (MANE Select); coding-DNA position 43079, C replaced by A.
Protein change: p.Ala14360Asp; replaces alanine 14360 with aspartic acid.
Molecular consequence: missense variant.
Genome position (GRCh38, 1-based): chr2:178,633,194, G>T on the plus strand (C>A on the coding strand, the complement: TTN is on the minus strand). VCF-style: chr2-178633194-G-T. GRCh37 (hg19) VCF-style: chr2-179497921-G-T.
Other names: c.38156C>A, p.Ala12719Asp (NM_001256850.1); c.15884C>A, p.Ala5295Asp (NM_003319.4); c.35375C>A, p.Ala11792Asp (NM_133378.4); c.16259C>A, p.Ala5420Asp (NM_133432.3); c.16460C>A, p.Ala5487Asp (NM_133437.4); short protein forms A5295D, A5487D, A11792D, A12719D, A14360D, A5420D.
Identifiers: ClinVar variation 1775840 (VCV001775840.2), dbSNP rs928035274, ClinGen allele CA61004002.

ClinVar aggregate classification (germline): Uncertain significance (1 of 4 stars; one submission).

Conditions:
Cardiovascular phenotype. Identifiers: MedGen CN230736.

Submission:

Ambry Genetics
Classification: Uncertain significance for Cardiovascular phenotype. Last evaluated: 2020-03-24. Review status: criteria provided, single submitter. Criteria: Ambry Variant Classification Scheme 2023. Collection method: clinical testing. Allele origin: germline.
Comment: The p.A5295D variant (also known as c.15884C>A), located in coding exon 60 of the TTN gene, results from a C to A substitution at nucleotide position 15884. The alanine at codon 5295 is replaced by aspartic acid, an amino acid with dissimilar properties. This amino acid position is not well conserved in available vertebrate species. In addition, this alteration is predicted to be tolerated by in silico analysis. Since supporting evidence is limited at this time, the clinical significance of this alteration remains unclear.